The following is an entry in ClinVar:

NM_001367721.1(CASK):c.1345C>T (p.His449Tyr)

Gene: CASK (calcium/calmodulin dependent serine protein kinase; minus strand). Cytogenetic location: Xp11.4.
Variant type: single nucleotide variant.
Coding change: c.1345C>T on transcript NM_001367721.1 (MANE Select); coding-DNA position 1345, C replaced by T.
Protein change: p.His449Tyr; replaces histidine 449 with tyrosine.
Molecular consequence: missense variant.
Genome position (GRCh38, 1-based): chrX:41,578,498, G>A on the plus strand (C>T on the coding strand, the complement: CASK is on the minus strand). VCF-style: chrX-41578498-G-A. GRCh37 (hg19) VCF-style: chrX-41437751-G-A.
Other names: c.1345C>T, p.His449Tyr (NM_001126054.3, NM_003688.4); c.1327C>T, p.His443Tyr (NM_001126055.3, NM_001410745.1); short protein forms H443Y, H449Y.
Identifiers: ClinVar variation 3254722 (VCV003254722.1), dbSNP rs2519819247.

ClinVar aggregate classification (germline): Uncertain significance (1 of 4 stars; one submission).

Conditions:
FG syndrome 4 (FGS4). Identifiers: MedGen C1845546, MONDO:0010318, OMIM 300422.

Allele frequency attached by ClinVar (database versions not stated): gnomAD exomes 0.00003.
gnomAD v4.1: 34 of 1,207,838 alleles (0.0028%); highest among the groups gnomAD compares: Non-Finnish European, 0.0037%; no homozygotes.

Submission:

Victorian Clinical Genetics Services, Murdoch Childrens Research Institute
Classification: Uncertain significance for FG syndrome 4. Last evaluated: 2023-07-17. Review status: criteria provided, single submitter. Criteria: ACMG Guidelines, 2015. Collection method: clinical testing. Allele origin: germline. Inheritance: X-linked dominant inheritance. Affected: yes.
Comment: Based on the classification scheme VCGS_Germline_v1.3.4, this variant is classified as VUS-3B. Following criteria are met: 0102 - Loss of function is a known mechanism of disease in this gene and is associated with intellectual developmental disorder and microcephaly with pontine and cerebellar hypoplasia (MIM#300749) and intellectual disability with or without nystagmus (MIM#300422). (I) 0110 - This gene is associated with X-linked disease. However, intellectual developmental disorder, with or without nystagmus (MIM#300422) is associated with hypomorphic variants that typically cause symptoms in hemizygous males but not in heterozygous females (PMID: 24278995). (I) 0200 - Variant is predicted to result in a missense amino acid change from histidine to tyrosine. (I) 0253 - This variant is hemizygous. (I) 0301 - Variant is absent from gnomAD (both v2 and v3). (SP) 0502 - Missense variant with conflicting in silico predictions and uninformative conservation. (I) 0600 - Variant is located in the annotated L27 domain (DECIPHER). (I) 0705 - No comparable missense variants have previous evidence for pathogenicity. (I) 0807 - This variant has no previous evidence of pathogenicity. (I) 0905 - No published segregation evidence has been identified for this variant. (I) 1007 - No published functional evidence has been identified for this variant. (I) Legend: (SP) - Supporting pathogenic, (I) - Information, (SB) - Supporting benign

Literature cited by the submitters: PubMed 24278995.